The following is an entry in ClinVar:

ClinVar aggregate classification (germline): Uncertain significance (1 of 4 stars; one submission).

Conditions:
Gorlin syndrome. Also called: Nevoid Basal Cell Carcinoma Syndrome; Basal cell nevus syndrome. Identifiers: Orphanet 377, MedGen C0004779, MONDO:0007187.

gnomAD v4.1: 11 of 1,614,094 alleles (0.00068%); highest among the groups gnomAD compares: African/African-American, 0.015%; no homozygotes.

Submission:

Labcorp Genetics (formerly Invitae), Labcorp
Classification: Uncertain significance for Gorlin syndrome. Last evaluated: 2025-04-23. Review status: criteria provided, single submitter. Criteria: Invitae Variant Classification Sherloc (09022015). Collection method: clinical testing. Allele origin: germline.
Comment: This sequence change replaces threonine, which is neutral and polar, with serine, which is neutral and polar, at codon 111 of the PTCH2 protein (p.Thr111Ser). This variant is present in population databases (rs749874850, gnomAD 0.02%). This variant has not been reported in the literature in individuals affected with PTCH2-related conditions. Invitae Evidence Modeling of protein sequence and biophysical properties (such as structural, functional, and spatial information, amino acid conservation, physicochemical variation, residue mobility, and thermodynamic stability) indicates that this missense variant is not expected to disrupt PTCH2 protein function with a negative predictive value of 80%. In summary, the available evidence is currently insufficient to determine the role of this variant in disease. Therefore, it has been classified as a Variant of Uncertain Significance.

NM_003738.5(PTCH2):c.332C>G (p.Thr111Ser)

Gene: PTCH2 (patched 2; minus strand). Cytogenetic location: 1p34.1.
Variant type: single nucleotide variant.
Coding change: c.332C>G on transcript NM_003738.5 (MANE Select); coding-DNA position 332, C replaced by G.
Protein change: p.Thr111Ser; replaces threonine 111 with serine.
Molecular consequence: missense variant.
Genome position (GRCh38, 1-based): chr1:44,832,275, G>C on the plus strand (C>G on the coding strand, the complement: PTCH2 is on the minus strand). VCF-style: chr1-44832275-G-C. GRCh37 (hg19) VCF-style: chr1-45297947-G-C.
Other names: c.332C>G, p.Thr111Ser (NM_001166292.2); short protein forms T111S.
Identifiers: ClinVar variation 4751982 (VCV004751982.1).